The following is an entry in ClinVar:

ClinVar aggregate classification (germline): Uncertain significance. Review status: criteria provided, multiple submitters, no conflicts (2 of 4 stars). 2 submissions from 2 submitters: Uncertain significance (2). Last evaluated 2023-03-31.

Conditions:
Familial adenomatous polyposis 2. Also called: COLORECTAL ADENOMATOUS POLYPOSIS, AUTOSOMAL RECESSIVE; MUTYH Polyposis; MUTYH-associated polyposis; MUTYH-related attenuated familial adenomatous polyposis; Adenomas, multiple colorectal; ADENOMAS, MULTIPLE COLORECTAL, AUTOSOMAL RECESSIVE. Identifiers: Orphanet 220460, Orphanet 247798, MedGen C3272841, MONDO:0012041, OMIM 608456.

gnomAD v4.1: 1 of 1,614,184 alleles (0.000062%); no homozygotes.

Submissions (2):

Labcorp Genetics (formerly Invitae), Labcorp
Classification: Uncertain significance for Familial adenomatous polyposis 2. Last evaluated: 2023-03-31. Review status: criteria provided, single submitter. Criteria: Invitae Variant Classification Sherloc (09022015). Collection method: clinical testing. Allele origin: germline.
Comment: This variant has not been reported in the literature in individuals affected with MUTYH-related conditions. ClinVar contains an entry for this variant (Variation ID: 423042). Variants that disrupt the consensus splice site are a relatively common cause of aberrant splicing (PMID: 17576681, 9536098). Studies have shown that this variant results in activation of a cryptic splice site and introduces a premature termination codon (Invitae). The resulting mRNA is expected to undergo nonsense-mediated decay. In summary, the available evidence is currently insufficient to determine the role of this variant in disease. Therefore, it has been classified as a Variant of Uncertain Significance. This variant is not present in population databases (gnomAD no frequency). This sequence change falls in intron 14 of the MUTYH gene. It does not directly change the encoded amino acid sequence of the MUTYH protein. RNA analysis indicates that this variant induces altered splicing and may result in an absent or disrupted protein product.

GeneDx
Classification: Uncertain significance. Last evaluated: 2017-01-09. Review status: criteria provided, single submitter. Criteria: GeneDx Variant Classification (06012015). Collection method: clinical testing. Allele origin: germline. Affected: yes.
Comment: This variant is denoted MUTYH c.1476+3A>G or IVS14+3A>G and consists of an A>G nucleotide substitution at the +3 position of intron 14 of the MUTYH gene. In silico splicing models are uninformative; therefore, in the absence of RNA or functional studies, the actual effect of this variant is unknown. This variant has not, to our knowledge, been published in the literature as pathogenic or benign. MUTYH c.1476+3A>G was not observed in approximately 6,500 individuals of European and African American ancestry in the NHLBI Exome Sequencing Project, suggesting it is not a common benign variant in these populations. The adenine (A) nucleotide that is altered is conserved through mammals. Based on currently available information, it is unclear whether MUTYH c.1476+3A>G is pathogenic or benign. We consider it to be a variant of uncertain significance.

Literature cited by the submitters: PubMed 17576681 (cited by Labcorp Genetics (formerly Invitae), Labcorp); PubMed 9536098 (cited by Labcorp Genetics (formerly Invitae), Labcorp).

NM_001048174.2(MUTYH):c.1392+3A>G

Gene: MUTYH (mutY DNA glycosylase; minus strand). Cytogenetic location: 1p34.1.
Variant type: single nucleotide variant.
Coding change: c.1392+3A>G on transcript NM_001048174.2 (MANE Select); 3 bases into the intron after coding-DNA position 1392, A replaced by G.
Molecular consequence: intron variant.
Genome position (GRCh38, 1-based): chr1:45,331,179, T>C on the plus strand (A>G on the coding strand, the complement: MUTYH is on the minus strand). VCF-style: chr1-45331179-T-C. GRCh37 (hg19) VCF-style: chr1-45796851-T-C.
Other names: c.1047+3A>G (NM_001350651.2, NM_001350650.2); c.1116+3A>G (NM_001293192.2, NM_001293196.2); c.1392+3A>G (NM_001048171.2, NM_001048173.2, NM_001293195.2); c.1437+3A>G (NM_001293190.2); c.1467+3A>G (NM_012222.3); c.1476+3A>G (NM_001128425.2); c.1395+3A>G (NM_001048172.2); c.1425+3A>G (NM_001293191.2).
Identifiers: ClinVar variation 423042 (VCV000423042.5), dbSNP rs1064796189, ClinGen allele CA16617153.
Genomic context (GRCh38, chr1:45,331,179, plus strand): 5'-ATATATTCATGTAGAACATGTAGGAAACACAAGGAAGTACAACAAAGACAACAAAGGTAG[T>C]GCCTTTTTCATGGCGGTGGAAACAGCTGCGGTGTGAAATTCCTCCTGCGTCAGCCAGCGA-3'